The following is an entry in ClinVar:

NM_001254.4(CDC6):c.1321G>A (p.Val441Ile)

Gene: CDC6 (cell division cycle 6; plus strand). Cytogenetic location: 17q21.2.
Variant type: single nucleotide variant.
Coding change: c.1321G>A on transcript NM_001254.4 (MANE Select); coding-DNA position 1321, G replaced by A.
Protein change: p.Val441Ile; replaces valine 441 with isoleucine.
Molecular consequence: missense variant.
Genome position (GRCh38, 1-based): chr17:40,300,899, G>A. VCF-style: chr17-40300899-G-A. GRCh37 (hg19) VCF-style: chr17-38457151-G-A.
Other names: short protein forms V441I.
Identifiers: ClinVar variation 128635 (VCV000128635.23), dbSNP rs13706, ClinGen allele CA152214.

ClinVar aggregate classification (germline): Benign. Review status: criteria provided, multiple submitters, no conflicts (2 of 4 stars). 8 submissions from 8 submitters: Benign (7). 1 of the submissions does not count toward it. Last evaluated 2026-02-03.

Conditions:
Meier-Gorlin syndrome 5 (MGORS5). Identifiers: Orphanet 2554, MedGen C3151126, MONDO:0013432, OMIM 613805.

Allele frequency attached by ClinVar (database versions not stated): gnomAD 0.22044 and 0.22496; ESP Exome Variant Server 0.22789; TOPMed 0.23577; 1000 Genomes Project 0.27995; 1000 Genomes Project 30x 0.28576.
gnomAD v4.1: 214,476 of 1,613,406 alleles (13%); highest among the groups gnomAD compares: African/African-American, 47%; 21,131 homozygotes.

Submissions (8):

Labcorp Genetics (formerly Invitae), Labcorp
Classification: Benign. Last evaluated: 2026-02-03. Review status: criteria provided, single submitter. Criteria: Invitae Variant Classification Sherloc (09022015). Collection method: clinical testing. Allele origin: germline.

Blueprint Genetics
Classification: Benign. Last evaluated: 2024-11-27. Review status: criteria provided, single submitter. Criteria: ACMG Guidelines, 2015. Collection method: clinical testing. Allele origin: germline.

GeneDx
Classification: Benign. Last evaluated: 2021-05-04. Review status: criteria provided, single submitter. Criteria: GeneDx Variant Classification Process June 2021. Collection method: clinical testing. Allele origin: germline. Affected: yes.
Comment: This variant is associated with the following publications: (PMID: 17000706, 19233139)

Mendelics
Classification: Benign for Meier-Gorlin syndrome 5. Last evaluated: 2019-05-28. Review status: criteria provided, single submitter. Criteria: Mendelics Assertion Criteria 2017. Collection method: clinical testing. Allele origin: unknown.

Illumina Laboratory Services, Illumina
Classification: Benign for Meier-Gorlin syndrome 5. Last evaluated: 2018-03-06. Review status: criteria provided, single submitter. Criteria: ICSL Variant Classification Criteria 13 December 2019. Collection method: clinical testing. Allele origin: germline.
Comment: This variant was observed in the ICSL laboratory as part of a predisposition screen in an ostensibly healthy population. It had not been previously curated by ICSL or reported in the Human Gene Mutation Database (HGMD: prior to June 1st, 2018), and was therefore a candidate for classification through an automated scoring system. Utilizing variant allele frequency, disease prevalence and penetrance estimates, and inheritance mode, an automated score was calculated to assess if this variant is too frequent to cause the disease. Based on the score and internal cut-off values, a variant classified as benign is not then subjected to further curation. The score for this variant resulted in a classification of benign for this disease.

Breakthrough Genomics
Classification: Benign. Review status: criteria provided, single submitter. Criteria: ACMG Guidelines, 2015. Collection method: not provided. Allele origin: germline. Inheritance: Autosomal recessive inheritance. Affected: yes.

PreventionGenetics, part of Exact Sciences
Classification: Benign. Review status: criteria provided, single submitter. Criteria: ACMG Guidelines, 2015. Collection method: clinical testing. Allele origin: germline.

Genetic Services Laboratory, University of Chicago
Classification: Likely benign for AllHighlyPenetrant. Review status: no assertion criteria provided. Collection method: clinical testing. Allele origin: germline. Inheritance: Autosomal recessive inheritance. Not counted in ClinVar's aggregate classification.
Comment: Likely benign based on allele frequency in 1000 Genomes Project or ESP global frequency and its presence in a patient with a rare or unrelated disease phenotype. NOT Sanger confirmed.